The following is an entry in ClinVar:

NM_000484.4(APP):c.2145_2146delinsTG (p.Ile716Val)

Gene: APP (amyloid beta precursor protein; minus strand). Cytogenetic location: 21q21.3.
Variant type: Indel.
Coding change: c.2145_2146delinsTG on transcript NM_000484.4 (MANE Select); coding-DNA positions 2145 to 2146, GA replaced by TG.
Protein change: p.Ile716Val; replaces isoleucine 716 with valine.
Molecular consequence: missense variant.
Genome position (GRCh38, 1-based): chr21:25,891,787-25,891,788, TC replaced by CA on the plus strand (GA replaced by TG on the coding strand, the reverse complement: APP is on the minus strand). VCF-style: chr21-25891787-TC-CA. GRCh37 (hg19) VCF-style: chr21-27264099-TC-CA.
Other names: c.2073_2074delinsTG, p.Ile692Val (NM_001136016.3); c.1752_1753delinsTG, p.Ile585Val (NM_001136129.3); c.1977_1978delinsTG, p.Ile660Val (NM_001136130.3, NM_001385253.1); c.1815_1816delinsTG, p.Ile606Val (NM_001136131.3); c.2091_2092delinsTG, p.Ile698Val (NM_001204301.2); c.2034_2035delinsTG, p.Ile679Val (NM_001204302.2); c.1866_1867delinsTG, p.Ile623Val (NM_001204303.2); c.2088_2089delinsTG, p.Ile697Val (NM_201413.3); and 1 more; short protein forms I606V, I692V, I697V, I698V, I585V, I660V, I641V, I679V.
Identifiers: ClinVar variation 1457308 (VCV001457308.19), dbSNP rs2146237965, ClinGen allele CA2573157339.
Genomic context (GRCh38, chr21:25,891,787, plus strand): 5'-CCACACCATGATGAATGGATGTGTACTGTTTCTTCTTCAGCATCACCAAGGTGATGACGA[TC>CA]ACTGTCGCTATGACAACACCGCCCACCATGAGTCCAATGATTGCACCTTTGTTTGAACCC-3'
Protein context (NP_000475.1, residues 706-726): MVGGVVIATV[Ile716Val]VITLVMLKKK

ClinVar aggregate classification (germline): Pathogenic. Review status: criteria provided, multiple submitters, no conflicts (2 of 4 stars). 2 submissions from 2 submitters: Pathogenic (2). Last evaluated 2024-12-01.

Conditions:
Alzheimer disease. Also called: Presenile and senile dementia; Alzheimer's disease. Identifiers: Orphanet 1020, MedGen C0002395, MeSH D000544, MONDO:0004975, HP:0002511.

Submissions (2):

CeGaT Center for Human Genetics Tuebingen
Classification: Pathogenic. Last evaluated: 2024-12-01. Review status: criteria provided, single submitter. Criteria: CeGaT Center For Human Genetics Tuebingen Variant Classification Criteria Version 2. Collection method: clinical testing. Allele origin: germline. Affected: yes. Observed: 1 variant allele.
Comment: APP: PM1, PM2, PM5, PS3:Moderate, PS4:Moderate

Labcorp Genetics (formerly Invitae), Labcorp
Classification: Pathogenic for Alzheimer disease. Last evaluated: 2023-12-08. Review status: criteria provided, single submitter. Criteria: Invitae Variant Classification Sherloc (09022015). Collection method: clinical testing. Allele origin: germline.
Comment: This sequence change replaces isoleucine, which is neutral and non-polar, with valine, which is neutral and non-polar, at codon 716 of the APP protein (p.Ile716Val). Information on the frequency of this variant in the gnomAD database is not available, as this variant may be reported differently in the database. This missense change has been observed in individuals with clinical features of Alzheimer disease (PMID: 9328472; Invitae). ClinVar contains an entry for this variant (Variation ID: 1457308). Algorithms developed to predict the effect of variants on protein structure and function are not available or were not evaluated for this variant. Experimental studies have shown that this missense change affects APP function (PMID: 9328472, 11487570, 20452985, 24117942). This variant disrupts the p.Ile716 amino acid residue in APP. Other variant(s) that disrupt this residue have been observed in individuals with APP-related conditions (PMID: 18667258, 24117942), which suggests that this may be a clinically significant amino acid residue. For these reasons, this variant has been classified as Pathogenic.

Literature cited by the submitters: PubMed 9328472 (cited by Labcorp Genetics (formerly Invitae), Labcorp); PubMed 11487570 (cited by Labcorp Genetics (formerly Invitae), Labcorp); PubMed 20452985 (cited by Labcorp Genetics (formerly Invitae), Labcorp); PubMed 24117942 (cited by Labcorp Genetics (formerly Invitae), Labcorp); PubMed 18667258 (cited by Labcorp Genetics (formerly Invitae), Labcorp).